The following is an entry in ClinVar:

NC_000023.11:g.(?_31609621)_(31679596_?)del

Gene: DMD (dystrophin; minus strand). Cytogenetic location: Xp21.1.
Variant type: Deletion.
Identifiers: ClinVar variation 830422 (VCV000830422.1).

ClinVar aggregate classification (germline): Pathogenic (1 of 4 stars; one submission).

Conditions:
Duchenne muscular dystrophy (DMD). Also called: Duchenne Muscular Dystrophy (DMD); MUSCULAR DYSTROPHY, PSEUDOHYPERTROPHIC PROGRESSIVE, DUCHENNE TYPE. Identifiers: Orphanet 98896, MedGen C0013264, MONDO:0010679, OMIM 310200.

Submission:

Labcorp Genetics (formerly Invitae), Labcorp
Classification: Pathogenic for Duchenne muscular dystrophy. Last evaluated: 2019-11-21. Review status: criteria provided, single submitter. Criteria: Invitae Variant Classification Sherloc (09022015). Collection method: clinical testing. Allele origin: germline.
Comment: This variant is an out-of-frame deletion of the genomic region encompassing exons 53-55 of the DMD gene. This is expected to create a premature translational stop signal and result in an absent or disrupted protein product. Deletions of exons 53-55 have been reported in individuals affected with DMD-related dystrophinopathies (PMID: 23299919, 15643612, 18663755). Loss-of-function variants in DMD are known to be pathogenic (PMID: 16770791, 25007885). For these reasons, this variant has been classified as Pathogenic.

Literature cited by the submitters: PubMed 15643612; PubMed 23299919; PubMed 18663755.